The following is an entry in ClinVar:

ClinVar aggregate classification (germline): Benign (1 of 4 stars; one submission).

Submission:

GeneDx
Classification: Benign. Last evaluated: 2013-10-23. Review status: criteria provided, single submitter. Criteria: GeneDx Variant Classification (06012015). Collection method: clinical testing. Allele origin: germline. Affected: yes.
Comment: This variant is considered likely benign or benign based on one or more of the following criteria: it is a conservative change, it occurs at a poorly conserved position in the protein, it is predicted to be benign by multiple in silico algorithms, and/or has population frequency not consistent with disease.

NM_004006.2(DMD):c.-72567T>C

Gene: DMD (dystrophin; minus strand). Cytogenetic location: Xp21.1.
Variant type: single nucleotide variant.
Coding change: c.-72567T>C on transcript NM_004006.2; 72567 bases upstream of the start codon, T replaced by C.
Molecular consequence: intron variant (on NM_000109.4).
Genome position (GRCh38, 1-based): chrX:33,283,879, A>G on the plus strand (T>C on the coding strand, the complement: DMD is on the minus strand). VCF-style: chrX-33283879-A-G. GRCh37 (hg19) VCF-style: chrX-33301996-A-G.
Other names: c.7+55380T>C (NM_000109.4).
Identifiers: ClinVar variation 137114 (VCV000137114.3), dbSNP rs587780921, ClinGen allele CA290634.